The following is an entry in ClinVar:

ClinVar aggregate classification (germline): Likely pathogenic (1 of 4 stars; one submission).

Conditions:
Galactosylceramide beta-galactosidase deficiency. Also called: Krabbe Disease; GALACTOCEREBROSIDASE DEFICIENCY; GALC DEFICIENCY; GLOBOID CELL LEUKOENCEPHALOPATHY; Leukodystrophy, Globoid Cell. Identifiers: Orphanet 487, MedGen C0023521, MONDO:0009499, OMIM 245200.

Allele frequency attached by ClinVar (database versions not stated): TOPMed below 0.00001.
gnomAD v4.1: 3 of 1,613,708 alleles (0.00019%); highest among the groups gnomAD compares: South Asian, 0.0022%; no homozygotes.

Submission:

Labcorp Genetics (formerly Invitae), Labcorp
Classification: Likely pathogenic for Galactosylceramide beta-galactosidase deficiency. Last evaluated: 2023-05-27. Review status: criteria provided, single submitter. Criteria: Invitae Variant Classification Sherloc (09022015). Collection method: clinical testing. Allele origin: germline.
Comment: In summary, the currently available evidence indicates that the variant is pathogenic, but additional data are needed to prove that conclusively. Therefore, this variant has been classified as Likely Pathogenic. This variant disrupts the p.Glu130 amino acid residue in GALC. Other variant(s) that disrupt this residue have been determined to be pathogenic (PMID: 17579360, 20886637, 23620143, 27638593). This suggests that this residue is clinically significant, and that variants that disrupt this residue are likely to be disease-causing. Advanced modeling of protein sequence and biophysical properties (such as structural, functional, and spatial information, amino acid conservation, physicochemical variation, residue mobility, and thermodynamic stability) performed at Invitae indicates that this missense variant is expected to disrupt GALC protein function. This variant has not been reported in the literature in individuals affected with GALC-related conditions. This variant is present in population databases (rs374635469, gnomAD 0.003%). This sequence change replaces glutamic acid, which is acidic and polar, with glutamine, which is neutral and polar, at codon 130 of the GALC protein (p.Glu130Gln).

Literature cited by the submitters: PubMed 17579360; PubMed 20886637; PubMed 23620143; PubMed 27638593.

NM_000153.4(GALC):c.388G>C (p.Glu130Gln)

Gene: GALC (galactosylceramidase; minus strand). Cytogenetic location: 14q31.3.
Variant type: single nucleotide variant.
Coding change: c.388G>C on transcript NM_000153.4 (MANE Select); coding-DNA position 388, G replaced by C.
Protein change: p.Glu130Gln; replaces glutamic acid 130 with glutamine.
Molecular consequence: missense variant. On other transcripts: 5 prime UTR variant (2), non-coding transcript variant (1).
Genome position (GRCh38, 1-based): chr14:87,986,543, C>G on the plus strand (G>C on the coding strand, the complement: GALC is on the minus strand). VCF-style: chr14-87986543-C-G. GRCh37 (hg19) VCF-style: chr14-88452887-C-G.
Other names: c.319G>C, p.Glu107Gln (NM_001201401.2); c.310G>C, p.Glu104Gln (NM_001201402.2); c.220G>C, p.Glu74Gln (NM_001424071.1, NM_001424072.1, NM_001424073.1); c.40G>C, p.Glu14Gln (NM_001424074.1, NM_001424075.1); c.-280G>C (NM_001424076.1, NM_001424077.1); short protein forms E14Q, E130Q, E104Q, E107Q, E74Q.
Identifiers: ClinVar variation 3015852 (VCV003015852.3), dbSNP rs374635469, ClinGen allele CA7297400.